The following is an entry in ClinVar:

ClinVar aggregate classification (germline): Pathogenic (1 of 4 stars; one submission).

Conditions:
LAMA2-related muscular dystrophy (LAMA2-RD). Also called: Laminin alpha 2-related dystrophy. Identifiers: MedGen C5679788, MONDO:0100228.

Submission:

Myriad Genetics, Inc.
Classification: Pathogenic for LAMA2-related muscular dystrophy. Last evaluated: 2025-01-14. Review status: criteria provided, single submitter. Criteria: Myriad Autosomal Dominant, Autosomal Recessive and X-Linked Classification Criteria (2023). Collection method: clinical testing. Allele origin: unknown.
Comment: NM_000426.3(LAMA2):c.6657C>G(Y2219*) is expected to be pathogenic in the context of muscular dystrophy, LAMA2-related. This variant is predicted to lead to an abnormal or absent protein product due to the creation of a premature termination codon in LAMA2, a gene where loss-of-function variants are known to be pathogenic. Please note: this variant was assessed in the context of healthy population screening.

NM_000426.4(LAMA2):c.6657C>G (p.Tyr2219Ter)

Gene: LAMA2 (laminin subunit alpha 2; plus strand). Cytogenetic location: 6q22.33.
Variant type: single nucleotide variant.
Coding change: c.6657C>G on transcript NM_000426.4 (MANE Select); coding-DNA position 6657, C replaced by G.
Protein change: p.Tyr2219Ter; replaces tyrosine 2219 with a stop codon.
Molecular consequence: nonsense.
Genome position (GRCh38, 1-based): chr6:129,454,238, C>G. VCF-style: chr6-129454238-C-G. GRCh37 (hg19) VCF-style: chr6-129775383-C-G.
Other names: c.6657C>G, p.Tyr2219Ter (NM_001079823.2); short protein forms Y2219*.
Identifiers: ClinVar variation 5013961 (VCV005013961.1).